The following is an entry in ClinVar:

ClinVar aggregate classification (germline): Uncertain significance (1 of 4 stars; one submission).

Conditions:
PKHD1-related disorder. Also called: PKHD1-related condition.

gnomAD v4.1: 1 of 1,612,418 alleles (0.000062%); highest among the groups gnomAD compares: African/African-American, 0.0013%; no homozygotes.

Submission:

PreventionGenetics, part of Exact Sciences
Classification: Uncertain significance for PKHD1-related condition. Last evaluated: 2024-11-02. Review status: criteria provided, single submitter. Criteria: ACMG Guidelines, 2015. Collection method: clinical testing. Allele origin: germline.
Comment: The PKHD1 c.7249T>C variant is predicted to result in the amino acid substitution p.Phe2417Leu. To our knowledge, this variant has not been reported in the literature. This variant is reported in 0.0062% of alleles in individuals of African descent in gnomAD. At this time, the clinical significance of this variant is uncertain due to the absence of conclusive functional and genetic evidence.

NM_138694.4(PKHD1):c.7249T>C (p.Phe2417Leu)

Gene: PKHD1 (PKHD1 ciliary IPT domain containing fibrocystin/polyductin; minus strand). Cytogenetic location: 6p12.2.
Variant type: single nucleotide variant.
Coding change: c.7249T>C on transcript NM_138694.4 (MANE Select); coding-DNA position 7249, T replaced by C.
Protein change: p.Phe2417Leu; replaces phenylalanine 2417 with leucine.
Molecular consequence: missense variant.
Genome position (GRCh38, 1-based): chr6:51,883,194, A>G on the plus strand (T>C on the coding strand, the complement: PKHD1 is on the minus strand). VCF-style: chr6-51883194-A-G. GRCh37 (hg19) VCF-style: chr6-51747992-A-G.
Other names: c.7249T>C, p.Phe2417Leu (NM_170724.3); short protein forms F2417L.
Identifiers: ClinVar variation 4990517 (VCV004990517.1).
Genomic context (GRCh38, chr6:51,883,194, plus strand): 5'-AAGTATTTGCATCACTTTCCAAGACGTCAATTCCAAAATCTCTGCATGAATAAACTTTGA[A>G]GTTTTTCAGGCGAAGATTGCTACTTCTAAAAATCTATAAAATACAGCATGTTACAGCAAA-3'
Protein context (NP_619639.3, residues 2407-2427): FRSSNLRLKN[Phe2417Leu]KVYSCRDFGI